The following is an entry in ClinVar:

ClinVar aggregate classification (germline): Uncertain significance (1 of 4 stars; one submission).

Submission:

Dasa
Classification: Uncertain significance. Last evaluated: 2026-03-25. Review status: criteria provided, single submitter. Criteria: DASA Assertion Criteria. Collection method: clinical testing. Allele origin: germline.
Comment: NM_004564.3(GATB):c.1103A>G (p.Gln368Arg) is a missense variant that results in the substitution of glutamine with arginine. This variant is rare in population databases. Computational prediction algorithms are consistent with a benign effect. The currently available literature and clinical evidence are not sufficient to establish a definitive association between this variant and the reported condition. Therefore, this variant is classified as a variant of uncertain significance.

NM_004564.3(GATB):c.1103A>G (p.Gln368Arg)

Gene: GATB (glutamyl-tRNA amidotransferase subunit B; minus strand). Cytogenetic location: 4q31.3.
Variant type: single nucleotide variant.
Coding change: c.1103A>G on transcript NM_004564.3 (MANE Select); coding-DNA position 1103, A replaced by G.
Protein change: p.Gln368Arg; replaces glutamine 368 with arginine.
Molecular consequence: missense variant.
Genome position (GRCh38, 1-based): chr4:151,701,423, T>C on the plus strand (A>G on the coding strand, the complement: GATB is on the minus strand). VCF-style: chr4-151701423-T-C. GRCh37 (hg19) VCF-style: chr4-152622575-T-C.
Other names: c.1103A>G, p.Gln368Arg (NM_001363341.2); short protein forms Q368R.
Identifiers: ClinVar variation 4880946 (VCV004880946.2).